The following is an entry in ClinVar:

NM_181882.3(PRX):c.1597G>A (p.Val533Met)

Gene: PRX (periaxin; minus strand). Cytogenetic location: 19q13.2.
Variant type: single nucleotide variant.
Coding change: c.1597G>A on transcript NM_181882.3 (MANE Select); coding-DNA position 1597, G replaced by A.
Protein change: p.Val533Met; replaces valine 533 with methionine.
Molecular consequence: missense variant. On other transcripts: 3 prime UTR variant (1).
Genome position (GRCh38, 1-based): chr19:40,396,755, C>T on the plus strand (G>A on the coding strand, the complement: PRX is on the minus strand). VCF-style: chr19-40396755-C-T. GRCh37 (hg19) VCF-style: chr19-40902662-C-T.
Other names: c.1882G>A, p.Val628Met (NM_001411127.1); c.*1802G>A (NM_020956.2); short protein forms V628M, V533M.
Identifiers: ClinVar variation 4743564 (VCV004743564.2).
Genomic context (GRCh38, chr19:40,396,755, plus strand): 5'-CTGACACTTTCGGCAGCTGTACCTCTGGAAGCCGCACCTCCGGCACAGCCATCTCTGGCA[C>T]CTTTGGGAGTTTCATCTCCGACACTTTCAGCAGCTGTACCTCTGGAAGCCGCACCTCCGG-3'
Protein context (NP_870998.2, residues 523-543): LKVSEMKLPK[Val533Met]PEMAVPEVRL

ClinVar aggregate classification (germline): Uncertain significance. Review status: criteria provided, multiple submitters, no conflicts (2 of 4 stars). 2 submissions from 2 submitters: Uncertain significance (2). Last evaluated 2026-03-31.

Conditions:
Charcot-Marie-Tooth disease type 4. Also called: Charcot-Marie-Tooth, Type 4; Charcot-Marie-Tooth disease, type IV. Identifiers: Orphanet 64749, MedGen C4082197, MONDO:0018995.

gnomAD v4.1: 2 of 1,610,234 alleles (0.00012%); highest among the groups gnomAD compares: Non-Finnish European, 0.000085%; no homozygotes.

Submissions (2):

GeneDx
Classification: Uncertain significance. Last evaluated: 2026-03-31. Review status: criteria provided, single submitter. Criteria: GeneDx Variant Classification Process June 2021. Collection method: clinical testing. Allele origin: germline.
Comment: Not observed at significant frequency in large population cohorts (gnomAD); In silico analysis suggests that this missense variant does not alter protein structure/function; Has not been previously published as pathogenic or benign to our knowledge

Labcorp Genetics (formerly Invitae), Labcorp
Classification: Uncertain significance for Charcot-Marie-Tooth disease type 4. Last evaluated: 2025-05-11. Review status: criteria provided, single submitter. Criteria: Invitae Variant Classification Sherloc (09022015). Collection method: clinical testing. Allele origin: germline.
Comment: This sequence change replaces valine, which is neutral and non-polar, with methionine, which is neutral and non-polar, at codon 533 of the PRX protein (p.Val533Met). This variant is not present in population databases (gnomAD no frequency). This variant has not been reported in the literature in individuals affected with PRX-related conditions. An algorithm developed to predict the effect of missense changes on protein structure and function outputs the following: PolyPhen-2: "Possibly Damaging". The methionine amino acid residue is found in multiple mammalian species, which suggests that this missense change does not adversely affect protein function. In summary, the available evidence is currently insufficient to determine the role of this variant in disease. Therefore, it has been classified as a Variant of Uncertain Significance.